The following is an entry in ClinVar:

ClinVar aggregate classification (germline): Uncertain significance (1 of 4 stars; one submission).

Allele frequency attached by ClinVar (database versions not stated): gnomAD exomes below 0.00001.
gnomAD v4.1: 5 of 1,613,586 alleles (0.00031%); highest among the groups gnomAD compares: Non-Finnish European, 0.00042%; no homozygotes.

Submission:

Labcorp Genetics (formerly Invitae), Labcorp
Classification: Uncertain significance. Last evaluated: 2021-06-18. Review status: criteria provided, single submitter. Criteria: Invitae Variant Classification Sherloc (09022015). Collection method: clinical testing. Allele origin: germline.
Comment: This variant is not present in population databases (ExAC no frequency). This sequence change replaces lysine with arginine at codon 386 of the IFT74 protein (p.Lys386Arg). The lysine residue is highly conserved and there is a small physicochemical difference between lysine and arginine. In summary, the available evidence is currently insufficient to determine the role of this variant in disease. Therefore, it has been classified as a Variant of Uncertain Significance. Algorithms developed to predict the effect of missense changes on protein structure and function (SIFT, PolyPhen-2, Align-GVGD) all suggest that this variant is likely to be tolerated. This variant has not been reported in the literature in individuals affected with IFT74-related conditions.

NM_025103.4(IFT74):c.1157A>G (p.Lys386Arg)

Gene: IFT74 (intraflagellar transport 74; plus strand). Cytogenetic location: 9p21.2.
Variant type: single nucleotide variant.
Coding change: c.1157A>G on transcript NM_025103.4 (MANE Select); coding-DNA position 1157, A replaced by G.
Protein change: p.Lys386Arg; replaces lysine 386 with arginine.
Molecular consequence: missense variant.
Genome position (GRCh38, 1-based): chr9:27,047,322, A>G. VCF-style: chr9-27047322-A-G. GRCh37 (hg19) VCF-style: chr9-27047320-A-G.
Other names: c.1157A>G, p.Lys386Arg (NM_001099222.3, NM_001099223.3, NM_001349928.2); short protein forms K386R.
Identifiers: ClinVar variation 1514154 (VCV001514154.8), dbSNP rs2131684364, ClinGen allele CA373125260.